The following is an entry in ClinVar:

ClinVar aggregate classification (germline): Uncertain significance. Review status: criteria provided, multiple submitters, no conflicts (2 of 4 stars). 2 submissions from 2 submitters: Uncertain significance (2). Last evaluated 2024-02-25.

Conditions:
Hereditary cancer-predisposing syndrome. Also called: Neoplastic Syndromes, Hereditary; Tumor predisposition; Hereditary Cancer Syndrome; Hereditary neoplastic syndrome. Identifiers: Orphanet 140162, MedGen C0027672, MeSH D009386, MONDO:0015356.
Fanconi anemia complementation group J. Also called: BRIP1-Related Fanconi Anemia. Identifiers: Orphanet 84, MedGen C1836860, MONDO:0012187, OMIM 609054.
Familial cancer of breast. Also called: Hereditary breast cancer; BREAST CANCER, FAMILIAL; hereditary breast carcinoma. Identifiers: Orphanet 227535, MedGen C0346153, MONDO:0016419, OMIM 114480. Disease mechanism: loss of function.

Submissions (2):

Ambry Genetics
Classification: Uncertain significance for Hereditary cancer-predisposing syndrome. Last evaluated: 2024-02-25. Review status: criteria provided, single submitter. Criteria: Ambry Variant Classification Scheme 2023. Collection method: clinical testing. Allele origin: germline.
Comment: The p.S278R variant (also known as c.832A>C), located in coding exon 6 of the BRIP1 gene, results from an A to C substitution at nucleotide position 832. The serine at codon 278 is replaced by arginine, an amino acid with dissimilar properties. This amino acid position is conserved. In addition, this alteration is predicted to be deleterious by in silico analysis. Based on the available evidence, the clinical significance of this alteration remains unclear.

Labcorp Genetics (formerly Invitae), Labcorp
Classification: Uncertain significance for Familial cancer of breast; Fanconi anemia complementation group J. Last evaluated: 2018-06-13. Review status: criteria provided, single submitter. Criteria: Invitae Variant Classification Sherloc (09022015). Collection method: clinical testing. Allele origin: germline.
Comment: This sequence change replaces serine with arginine at codon 278 of the BRIP1 protein (p.Ser278Arg). The serine residue is highly conserved and there is a moderate physicochemical difference between serine and arginine. This variant is not present in population databases (ExAC no frequency). This variant has not been reported in the literature in individuals with BRIP1-related disease. Algorithms developed to predict the effect of missense changes on protein structure and function (SIFT, PolyPhen-2, Align-GVGD) all suggest that this variant is likely to be disruptive, but these predictions have not been confirmed by published functional studies and their clinical significance is uncertain. In summary, the available evidence is currently insufficient to determine the role of this variant in disease. Therefore, it has been classified as a Variant of Uncertain Significance.

NM_032043.3(BRIP1):c.832A>C (p.Ser278Arg)

Gene: BRIP1 (BRCA1 interacting DNA helicase 1; minus strand). Cytogenetic location: 17q23.2.
Variant type: single nucleotide variant.
Coding change: c.832A>C on transcript NM_032043.3 (MANE Select); coding-DNA position 832, A replaced by C.
Protein change: p.Ser278Arg; replaces serine 278 with arginine.
Molecular consequence: missense variant.
Genome position (GRCh38, 1-based): chr17:61,808,553, T>G on the plus strand (A>C on the coding strand, the complement: BRIP1 is on the minus strand). VCF-style: chr17-61808553-T-G. GRCh37 (hg19) VCF-style: chr17-59885914-T-G.
Other names: short protein forms S278R.
Identifiers: ClinVar variation 568231 (VCV000568231.10), dbSNP rs1567837876, ClinGen allele CA400484824.
Genomic context (GRCh38, chr17:61,808,553, plus strand): 5'-ACTTCTCATTTCTGTTGAAGTTACCGACTACCTCAGGATGGACACAAGTATGATCCCTGC[T>G]GGAAAGAATAGTCATTGGAACCCCTGAATATGCCGTCCTCCGGAGCTCTCTAGTAATCTG-3'
Protein context (NP_114432.2, residues 268-288): YSGVPMTILS[Ser278Arg]RDHTCVHPEV